The following is an entry in ClinVar:

ClinVar aggregate classification (germline): Conflicting classifications of pathogenicity. Review status: criteria provided, conflicting classifications (1 of 4 stars). 3 submissions from 3 submitters: Uncertain significance (1); Likely benign (2). Last evaluated 2025-05-06.

Conditions:
Inborn genetic diseases. Identifiers: MedGen C0950123, MeSH D030342.
Autosomal dominant polycystic kidney disease. Identifiers: Orphanet 730, MedGen C0085413, MONDO:0004691.

Allele frequency attached by ClinVar (database versions not stated): gnomAD exomes 0.00001 and 0.00003; ExAC 0.00005; gnomAD 0.00010 and 0.00011; TOPMed 0.00010.
gnomAD v4.1: 37 of 1,613,962 alleles (0.0023%); highest among the groups gnomAD compares: African/African-American, 0.032%; no homozygotes.

Submissions (3):

Labcorp Genetics (formerly Invitae), Labcorp
Classification: Likely benign for Autosomal dominant polycystic kidney disease. Last evaluated: 2025-05-06. Review status: criteria provided, single submitter. Criteria: Invitae Variant Classification Sherloc (09022015). Collection method: clinical testing. Allele origin: germline.

Mayo Clinic Laboratories, Mayo Clinic
Classification: Likely benign. Last evaluated: 2024-12-30. Review status: criteria provided, single submitter. Criteria: ACMG Guidelines, 2015. Collection method: clinical testing. Allele origin: germline. Observed: 1 variant allele.
Comment: BS1, BP4_moderate

Ambry Genetics
Classification: Uncertain significance for Inborn genetic diseases. Last evaluated: 2024-01-17. Review status: criteria provided, single submitter. Criteria: Ambry Variant Classification Scheme 2023. Collection method: clinical testing. Allele origin: germline.

NM_000297.4(PKD2):c.2399T>C (p.Met800Thr)

Gene: PKD2 (polycystin 2, transient receptor potential cation channel; plus strand). Cytogenetic location: 4q22.1.
Variant type: single nucleotide variant.
Coding change: c.2399T>C on transcript NM_000297.4 (MANE Select); coding-DNA position 2399, T replaced by C.
Protein change: p.Met800Thr; replaces methionine 800 with threonine.
Molecular consequence: missense variant. On other transcripts: non-coding transcript variant (1).
Genome position (GRCh38, 1-based): chr4:88,067,938, T>C. VCF-style: chr4-88067938-T-C. GRCh37 (hg19) VCF-style: chr4-88989090-T-C.
Other names: p.Met800Thr; c.2399T>C (NM_000297.3); short protein forms M800T.
Identifiers: ClinVar variation 1425804 (VCV001425804.10), dbSNP rs376271163, ClinGen allele CA3004241.